The following is an entry in ClinVar:

NM_005631.5(SMO):c.621C>T (p.Tyr207=)

Gene: SMO (smoothened, frizzled class receptor; plus strand). Cytogenetic location: 7q32.1.
Variant type: single nucleotide variant.
Coding change: c.621C>T on transcript NM_005631.5 (MANE Select); coding-DNA position 621, C replaced by T.
Protein change: p.Tyr207=; no amino-acid change (tyrosine 207 retained).
Molecular consequence: synonymous variant.
Genome position (GRCh38, 1-based): chr7:129,205,286, C>T. VCF-style: chr7-129205286-C-T. GRCh37 (hg19) VCF-style: chr7-128845127-C-T.
Identifiers: ClinVar variation 736286 (VCV000736286.7), dbSNP rs56318556, ClinGen allele CA4479153.

ClinVar aggregate classification (germline): Benign/Likely benign. Review status: criteria provided, multiple submitters, no conflicts (2 of 4 stars). 3 submissions from 3 submitters: Benign (1); Likely benign (1). 1 of the submissions does not count toward it. Last evaluated 2022-05-11.

Conditions:
Basal cell carcinoma, susceptibility to, 1. Also called: BCC1. Identifiers: MedGen C2751544, MONDO:0011556, OMIM 605462.
Congenital hypothalamic hamartoma syndrome. Also called: PALLISTER-HALL-LIKE SYNDROME. Identifiers: MedGen C5435677, MONDO:0009436, OMIM 241800.
Curry-Jones syndrome (CRJS). Identifiers: Orphanet 1553, MedGen C0795915, MONDO:0011134, OMIM 601707.
SMO-related disorder. Also called: SMO-related condition.

Allele frequency attached by ClinVar (database versions not stated): gnomAD exomes 0.00025 and 0.00072; ExAC 0.00087; ESP Exome Variant Server 0.00238; gnomAD 0.00265 and 0.00282; 1000 Genomes Project 0.00280; 1000 Genomes Project 30x 0.00281; TOPMed 0.00322.
gnomAD v4.1: 782 of 1,614,200 alleles (0.048%); highest among the groups gnomAD compares: African/African-American, 0.9%; 4 homozygotes.

Submissions (3):

Fulgent Genetics
Classification: Likely benign for Congenital hypothalamic hamartoma syndrome; Curry-Jones syndrome; Basal cell carcinoma, susceptibility to, 1. Last evaluated: 2022-05-11. Review status: criteria provided, single submitter. Criteria: ACMG Guidelines, 2015. Collection method: clinical testing. Allele origin: unknown.

Labcorp Genetics (formerly Invitae), Labcorp
Classification: Benign. Last evaluated: 2019-12-31. Review status: criteria provided, single submitter. Criteria: Invitae Variant Classification Sherloc (09022015). Collection method: clinical testing. Allele origin: germline.

PreventionGenetics, part of Exact Sciences
Classification: Benign for SMO-related condition. Last evaluated: 2019-08-05. Review status: no assertion criteria provided. Collection method: clinical testing. Allele origin: germline. Not counted in ClinVar's aggregate classification.
Comment: This variant is classified as benign based on ACMG/AMP sequence variant interpretation guidelines (Richards et al. 2015 PMID: 25741868, with internal and published modifications).